The following is an entry in ClinVar:

NM_000492.4(CFTR):c.67A>G (p.Ile23Val)

Gene: CFTR (CF transmembrane conductance regulator; plus strand). Cytogenetic location: 7q31.2.
Variant type: single nucleotide variant.
Coding change: c.67A>G on transcript NM_000492.4 (MANE Select); coding-DNA position 67, A replaced by G.
Protein change: p.Ile23Val; replaces isoleucine 23 with valine.
Molecular consequence: missense variant.
Genome position (GRCh38, 1-based): chr7:117,504,266, A>G. VCF-style: chr7-117504266-A-G. GRCh37 (hg19) VCF-style: chr7-117144320-A-G.
Other names: c.67A>G (NM_000492.3); short protein forms I23V.
Identifiers: ClinVar variation 990532 (VCV000990532.2), dbSNP rs1798377413, ClinGen allele CA368986878.

ClinVar aggregate classification (germline): Uncertain significance. Review status: criteria provided, single submitter (1 of 4 stars). 2 submissions from 2 submitters: Uncertain significance (1). 1 of the submissions does not count toward it. Last evaluated 2024-05-29.

Conditions:
Cystic fibrosis (CF). Also called: MUCOVISCIDOSIS. Identifiers: Orphanet 586, MedGen C0010674, MONDO:0009061, OMIM 219700. Disease mechanism: loss of function.

Submissions (2):

Ambry Genetics
Classification: Uncertain significance for Cystic fibrosis. Last evaluated: 2024-05-29. Review status: criteria provided, single submitter. Criteria: Ambry Variant Classification Scheme 2023. Collection method: clinical testing. Allele origin: germline.
Comment: The p.I23V variant (also known as c.67A>G), located in coding exon 2 of the CFTR gene, results from an A to G substitution at nucleotide position 67. The isoleucine at codon 23 is replaced by valine, an amino acid with highly similar properties. This amino acid position is conserved. In addition, the in silico prediction for this alteration is inconclusive. Based on the available evidence, the clinical significance of this variant remains unclear.

Natera, Inc.
Classification: Uncertain significance for Cystic Fibrosis. Last evaluated: 2020-09-04. Review status: no assertion criteria provided. Collection method: clinical testing. Allele origin: germline. Not counted in ClinVar's aggregate classification.